The following is an entry in ClinVar:

NM_000075.4(CDK4):c.182G>A (p.Arg61Lys)

Genes: CDK4 (cyclin dependent kinase 4; minus strand), LOC130008148 (ATAC-STARR-seq lymphoblastoid silent region 4588; plus strand). Cytogenetic location: 12q14.1.
Variant type: single nucleotide variant.
Coding change: c.182G>A on transcript NM_000075.4 (MANE Select); coding-DNA position 182, G replaced by A.
Protein change: p.Arg61Lys; replaces arginine 61 with lysine.
Molecular consequence: missense variant.
Genome position (GRCh38, 1-based): chr12:57,751,536, C>T on the plus strand (G>A on the coding strand, the complement: CDK4 is on the minus strand). VCF-style: chr12-57751536-C-T. GRCh37 (hg19) VCF-style: chr12-58145319-C-T.
Other names: short protein forms R61K.
Identifiers: ClinVar variation 2699649 (VCV002699649.3), dbSNP rs2540903524, ClinGen allele CA385548558.

ClinVar aggregate classification (germline): Uncertain significance (1 of 4 stars; one submission).

Conditions:
Familial melanoma. Also called: Hereditary melanoma; Hereditary cutaneous melanoma. Identifiers: Orphanet 618, MedGen C1512419, MONDO:0018961.

Submission:

Labcorp Genetics (formerly Invitae), Labcorp
Classification: Uncertain significance for Familial melanoma. Last evaluated: 2023-11-29. Review status: criteria provided, single submitter. Criteria: Invitae Variant Classification Sherloc (09022015). Collection method: clinical testing. Allele origin: germline.
Comment: This sequence change replaces arginine, which is basic and polar, with lysine, which is basic and polar, at codon 61 of the CDK4 protein (p.Arg61Lys). This variant is not present in population databases (gnomAD no frequency). This variant has not been reported in the literature in individuals affected with CDK4-related conditions. Advanced modeling of protein sequence and biophysical properties (such as structural, functional, and spatial information, amino acid conservation, physicochemical variation, residue mobility, and thermodynamic stability) performed at Invitae indicates that this missense variant is not expected to disrupt CDK4 protein function with a negative predictive value of 95%. In summary, the available evidence is currently insufficient to determine the role of this variant in disease. Therefore, it has been classified as a Variant of Uncertain Significance.